The following is an entry in ClinVar:

ClinVar aggregate classification (germline): Uncertain significance (1 of 4 stars; one submission).

Allele frequency attached by ClinVar (database versions not stated): gnomAD exomes below 0.00001; TOPMed below 0.00001; ExAC 0.00001.
gnomAD v4.1: 5 of 1,613,456 alleles (0.00031%); highest among the groups gnomAD compares: East Asian, 0.0045%; no homozygotes.

Submission:

Labcorp Genetics (formerly Invitae), Labcorp
Classification: Uncertain significance. Last evaluated: 2023-08-17. Review status: criteria provided, single submitter. Criteria: Invitae Variant Classification Sherloc (09022015). Collection method: clinical testing. Allele origin: germline.
Comment: This sequence change replaces aspartic acid, which is acidic and polar, with tyrosine, which is neutral and polar, at codon 356 of the IMPG2 protein (p.Asp356Tyr). This variant is present in population databases (rs747922853, gnomAD 0.006%). This variant has not been reported in the literature in individuals affected with IMPG2-related conditions. ClinVar contains an entry for this variant (Variation ID: 1973354). Advanced modeling of protein sequence and biophysical properties (such as structural, functional, and spatial information, amino acid conservation, physicochemical variation, residue mobility, and thermodynamic stability) performed at Invitae indicates that this missense variant is expected to disrupt IMPG2 protein function. In summary, the available evidence is currently insufficient to determine the role of this variant in disease. Therefore, it has been classified as a Variant of Uncertain Significance.

NM_016247.4(IMPG2):c.1066G>T (p.Asp356Tyr)

Gene: IMPG2 (interphotoreceptor matrix proteoglycan 2; minus strand). Cytogenetic location: 3q12.3.
Variant type: single nucleotide variant.
Coding change: c.1066G>T on transcript NM_016247.4 (MANE Select); coding-DNA position 1066, G replaced by T.
Protein change: p.Asp356Tyr; replaces aspartic acid 356 with tyrosine.
Molecular consequence: missense variant.
Genome position (GRCh38, 1-based): chr3:101,257,616, C>A on the plus strand (G>T on the coding strand, the complement: IMPG2 is on the minus strand). VCF-style: chr3-101257616-C-A. GRCh37 (hg19) VCF-style: chr3-100976460-C-A.
Other names: short protein forms D356Y.
Identifiers: ClinVar variation 1973354 (VCV001973354.5), dbSNP rs747922853, ClinGen allele CA2519286.